The following is an entry in ClinVar:

ClinVar aggregate classification (germline): Uncertain significance. Review status: criteria provided, multiple submitters, no conflicts (2 of 4 stars). 2 submissions from 2 submitters: Uncertain significance (2). Last evaluated 2025-05-09.

Submissions (2):

GeneDx
Classification: Uncertain significance. Last evaluated: 2025-05-09. Review status: criteria provided, single submitter. Criteria: GeneDx Variant Classification Process June 2021. Collection method: clinical testing. Allele origin: germline. Affected: yes.
Comment: Not observed at significant frequency in large population cohorts (gnomAD); In-frame deletion of 1 amino acid(s) in a non-repeat region; In silico analysis supports a deleterious effect on protein structure/function; Has not been previously published as pathogenic or benign to our knowledge

Labcorp Genetics (formerly Invitae), Labcorp
Classification: Uncertain significance. Last evaluated: 2021-06-24. Review status: criteria provided, single submitter. Criteria: Invitae Variant Classification Sherloc (09022015). Collection method: clinical testing. Allele origin: germline.
Comment: This variant has not been reported in the literature in individuals with UBTF-related conditions. This variant, c.1357_1359del, results in the deletion of 1 amino acid(s) of the UBTF protein (p.Lys453del), but otherwise preserves the integrity of the reading frame. This variant is not present in population databases (ExAC no frequency). Experimental studies and prediction algorithms are not available or were not evaluated, and the functional significance of this variant is currently unknown. Algorithms developed to predict the effect of sequence changes on RNA splicing suggest that this variant may disrupt the consensus splice site, but this prediction has not been confirmed by published transcriptional studies. In summary, the available evidence is currently insufficient to determine the role of this variant in disease. Therefore, it has been classified as a Variant of Uncertain Significance.

NM_014233.4(UBTF):c.1351AAG[2] (p.Lys453del)

Genes: UBTF (upstream binding transcription factor; minus strand), ATXN7L3-AS1 (ATXN7L3 antisense RNA 1; plus strand), LOC121587595 (Sharpr-MPRA regulatory region 7848; plus strand). Cytogenetic location: 17q21.31.
Variant type: Microsatellite.
Coding change: c.1351AAG[2] on transcript NM_014233.4 (MANE Select); two copies in a row of the 3-base unit AAG starting at c.1351; the reference has three copies in a row; one copy, 3 bases deleted; also written c.1357_1359del.
Protein change: p.Lys453del; deletes lysine 453.
Molecular consequence: inframe deletion. On other transcripts: non-coding transcript variant (1).
Genome position (GRCh38, 1-based): chr17:44,210,792-44,210,794, CTT deleted on the plus strand (AAG on the coding strand, the reverse complement: UBTF is on the minus strand); deleting any 3 consecutive bases within chr17:44,210,792-44,210,802 gives the same sequence; the position shown is the placement nearest the transcript's 3' end. VCF-style (leftmost placement, unchanged base first): chr17-44210791-CCTT-C. GRCh37 (hg19) VCF-style: chr17-42288159-CCTT-C.
Other names: c.1240AAG[2], p.Lys416del (NM_001076683.2, NM_001076684.3); c.1357_1359del (NM_014233.3); short protein forms K416del, K453del.
Identifiers: ClinVar variation 1500976 (VCV001500976.9), dbSNP rs1273318531, ClinGen allele CA626223654.